The following is an entry in ClinVar:

NM_172362.3(KCNH1):c.2647G>A (p.Gly883Ser)

Gene: KCNH1 (potassium voltage-gated channel subfamily H member 1; minus strand). Cytogenetic location: 1q32.2.
Variant type: single nucleotide variant.
Coding change: c.2647G>A on transcript NM_172362.3 (MANE Select); coding-DNA position 2647, G replaced by A.
Protein change: p.Gly883Ser; replaces glycine 883 with serine.
Molecular consequence: missense variant.
Genome position (GRCh38, 1-based): chr1:210,683,604, C>T on the plus strand (G>A on the coding strand, the complement: KCNH1 is on the minus strand). VCF-style: chr1-210683604-C-T. GRCh37 (hg19) VCF-style: chr1-210856946-C-T.
Other names: c.2566G>A, p.Gly856Ser (NM_002238.4); short protein forms G856S, G883S.
Identifiers: ClinVar variation 1715034 (VCV001715034.5), dbSNP rs2546369428, ClinGen allele CA344870729.

ClinVar aggregate classification (germline): Uncertain significance (1 of 4 stars; one submission).

Allele frequency attached by ClinVar (database versions not stated): gnomAD exomes 0.00001.
gnomAD v4.1: 5 of 1,614,154 alleles (0.00031%); highest among the groups gnomAD compares: Non-Finnish European, 0.00042%; no homozygotes.

Submission:

Labcorp Genetics (formerly Invitae), Labcorp
Classification: Uncertain significance. Last evaluated: 2022-08-04. Review status: criteria provided, single submitter. Criteria: Invitae Variant Classification Sherloc (09022015). Collection method: clinical testing. Allele origin: germline.
Comment: In summary, the available evidence is currently insufficient to determine the role of this variant in disease. Therefore, it has been classified as a Variant of Uncertain Significance. Advanced modeling of protein sequence and biophysical properties (such as structural, functional, and spatial information, amino acid conservation, physicochemical variation, residue mobility, and thermodynamic stability) performed at Invitae indicates that this missense variant is expected to disrupt KCNH1 protein function. This variant has not been reported in the literature in individuals affected with KCNH1-related conditions. This variant is not present in population databases (gnomAD no frequency). This sequence change replaces glycine, which is neutral and non-polar, with serine, which is neutral and polar, at codon 883 of the KCNH1 protein (p.Gly883Ser).